The following is an entry in ClinVar:

ClinVar aggregate classification (germline): Benign (1 of 4 stars; one submission).

Conditions:
Blood group, I system (Ii). Identifiers: MedGen C0020717, OMIM 110800.

Allele frequency attached by ClinVar (database versions not stated): gnomAD exomes 0.00052; gnomAD 0.00527 and 0.00568; TOPMed 0.00591; 1000 Genomes Project 0.00599; 1000 Genomes Project 30x 0.00656.
gnomAD v4.1: 828 of 208,530 alleles (0.4%); highest among the groups gnomAD compares: African/African-American, 1.8%; 5 homozygotes.

Submission:

Illumina Laboratory Services, Illumina
Classification: Benign for Blood group, I system. Last evaluated: 2018-01-12. Review status: criteria provided, single submitter. Criteria: ICSL Variant Classification Criteria 13 December 2019. Collection method: clinical testing. Allele origin: germline.
Comment: This variant was observed in the ICSL laboratory as part of a predisposition screen in an ostensibly healthy population. It had not been previously curated by ICSL or reported in the Human Gene Mutation Database (HGMD: prior to June 1st, 2018), and was therefore a candidate for classification through an automated scoring system. Utilizing variant allele frequency, disease prevalence and penetrance estimates, and inheritance mode, an automated score was calculated to assess if this variant is too frequent to cause the disease. Based on the score and internal cut-off values, a variant classified as benign is not then subjected to further curation. The score for this variant resulted in a classification of benign for this disease.

NM_145649.5(GCNT2):c.*398T>A

Gene: GCNT2 (glucosaminyl (N-acetyl) transferase 2 (I blood group); plus strand). Cytogenetic location: 6p24.2.
Variant type: single nucleotide variant.
Coding change: c.*398T>A on transcript NM_145649.5 (MANE Select); 398 bases downstream of the stop codon, T replaced by A.
Molecular consequence: 3 prime UTR variant.
Genome position (GRCh38, 1-based): chr6:10,627,005, T>A. VCF-style: chr6-10627005-T-A. GRCh37 (hg19) VCF-style: chr6-10627238-T-A.
Other names: c.*398T>A (NM_001374747.1, NM_001491.3, NM_145655.4).
Identifiers: ClinVar variation 906152 (VCV000906152.4), dbSNP rs75940068, ClinGen allele CA134103607.